The following is an entry in ClinVar:

ClinVar aggregate classification (germline): Uncertain significance (1 of 4 stars; one submission).

Submission:

Dasa
Classification: Uncertain significance. Last evaluated: 2025-02-09. Review status: criteria provided, single submitter. Criteria: DASA Assertion Criteria. Collection method: clinical testing. Allele origin: germline.
Comment: NM_000399.5(EGR2):c.946C>T (p.Pro316Ser) is a missense variant that results in the substitution of proline with serine. This variant is rare in population databases. Computational prediction algorithms are consistent with a benign effect. The currently available literature and clinical evidence are not sufficient to establish a definitive association between this variant and the reported condition. Therefore, this variant is classified as a variant of uncertain significance.

NM_000399.5(EGR2):c.946C>T (p.Pro316Ser)

Gene: EGR2 (early growth response 2; minus strand). Cytogenetic location: 10q21.3.
Variant type: single nucleotide variant.
Coding change: c.946C>T on transcript NM_000399.5 (MANE Select); coding-DNA position 946, C replaced by T.
Protein change: p.Pro316Ser; replaces proline 316 with serine.
Molecular consequence: missense variant.
Genome position (GRCh38, 1-based): chr10:62,813,692, G>A on the plus strand (C>T on the coding strand, the complement: EGR2 is on the minus strand). VCF-style: chr10-62813692-G-A. GRCh37 (hg19) VCF-style: chr10-64573452-G-A.
Other names: c.985C>T, p.Pro329Ser (NM_001410931.1); c.946C>T, p.Pro316Ser (NM_001136177.3, NM_001136178.2); c.796C>T, p.Pro266Ser (NM_001136179.3, NM_001321037.2); short protein forms P266S, P316S, P329S.
Identifiers: ClinVar variation 4885592 (VCV004885592.2).
Genomic context (GRCh38, chr10:62,813,692, plus strand): 5'-GCACCGGCGTCTTGCTGGGTCTGTTGGGGTACTTGCGAGGCCTCAGAATGGGCCGCAGTG[G>A]CAGGTGGTGTGGGTTATAGGCGGCGGCGGCGGCGGCTGCTGCTGCTGCTGAGCTGCTACC-3'
Protein context (NP_000390.2, residues 306-326): AAAAYNPHHL[Pro316Ser]LRPILRPRKY